The following is an entry in ClinVar:

NM_000256.3(MYBPC3):c.3673G>A (p.Ala1225Thr)

Gene: MYBPC3 (myosin binding protein C3; minus strand). Cytogenetic location: 11p11.2.
Variant type: single nucleotide variant.
Coding change: c.3673G>A on transcript NM_000256.3 (MANE Select); coding-DNA position 3673, G replaced by A.
Protein change: p.Ala1225Thr; replaces alanine 1225 with threonine.
Molecular consequence: missense variant.
Genome position (GRCh38, 1-based): chr11:47,332,213, C>T on the plus strand (G>A on the coding strand, the complement: MYBPC3 is on the minus strand). VCF-style: chr11-47332213-C-T. GRCh37 (hg19) VCF-style: chr11-47353764-C-T.
Other names: c.3673G>A, p.Ala1225Thr (LRG_386t1); short protein forms A1225T.
Identifiers: ClinVar variation 636766 (VCV000636766.14), dbSNP rs1278226452, ClinGen allele CA380311567.

ClinVar aggregate classification (germline): Uncertain significance. Review status: criteria provided, multiple submitters, no conflicts (2 of 4 stars). 6 submissions from 6 submitters: Uncertain significance (6). Last evaluated 2026-01-11.

Conditions:
Cardiomyopathy (CMYO). Also called: Cardiomyopathies. Identifiers: Orphanet 167848, MedGen C0878544, MONDO:0004994, HP:0001638. Inheritance: Various modes of inheritance.
Cardiovascular phenotype. Identifiers: MedGen CN230736.
Hypertrophic cardiomyopathy. Also called: HYPERTROPHIC MYOCARDIOPATHY. Identifiers: Orphanet 217569, MedGen C0007194, MeSH D002312, MONDO:0005045, HP:0001639.

Allele frequency attached by ClinVar (database versions not stated): gnomAD exomes below 0.00001 and 0.00001; gnomAD 0.00001; TOPMed 0.00001.
gnomAD v4.1: 15 of 1,613,734 alleles (0.00093%); highest among the groups gnomAD compares: Middle Eastern, 0.016%; no homozygotes.

Submissions (6):

Labcorp Genetics (formerly Invitae), Labcorp
Classification: Uncertain significance for Hypertrophic cardiomyopathy. Last evaluated: 2026-01-11. Review status: criteria provided, single submitter. Criteria: Invitae Variant Classification Sherloc (09022015). Collection method: clinical testing. Allele origin: germline.
Comment: This sequence change replaces alanine, which is neutral and non-polar, with threonine, which is neutral and polar, at codon 1225 of the MYBPC3 protein (p.Ala1225Thr). This variant is present in population databases (no rsID available, gnomAD 0.003%). This missense change has been observed in individual(s) with clinical features of MYBPC3-related conditions (PMID: 32815737, 32880476, 38895864). ClinVar contains an entry for this variant (Variation ID: 636766). An algorithm developed to predict the effect of missense changes on protein structure and function (PolyPhen-2) suggests that this variant is likely to be disruptive. In summary, the available evidence is currently insufficient to determine the role of this variant in disease. Therefore, it has been classified as a Variant of Uncertain Significance.

Color Diagnostics, LLC DBA Color Health
Classification: Uncertain significance for Cardiomyopathy. Last evaluated: 2025-09-15. Review status: criteria provided, single submitter. Criteria: ACMG Guidelines, 2015. Collection method: clinical testing. Allele origin: germline.
Comment: This missense variant replaces alanine with threonine at codon 1225 of the MYBPC3 protein. Computational prediction suggests that this variant may not impact protein structure and function. To our knowledge, functional studies have not been reported for this variant. This variant has been reported in two individuals affected with hypertrophic cardiomyopathy (PMID: 32815737, 32880476). This variant has been identified in 1/249216 chromosomes in the general population by the Genome Aggregation Database (gnomAD). The available evidence is insufficient to determine the role of this variant in disease conclusively. Therefore, this variant is classified as a Variant of Uncertain Significance.

Ambry Genetics
Classification: Uncertain significance for Cardiovascular phenotype. Last evaluated: 2025-03-28. Review status: criteria provided, single submitter. Criteria: Ambry Variant Classification Scheme 2023. Collection method: clinical testing. Allele origin: germline.
Comment: The p.A1225T variant (also known as c.3673G>A), located in coding exon 33 of the MYBPC3 gene, results from a G to A substitution at nucleotide position 3673. The alanine at codon 1225 is replaced by threonine, an amino acid with similar properties. This variant was reported in individual(s) with features consistent with hypertrophic and dilated cardiomyopathy (Pua CJ et al. Circ Genom Precis Med, 2020 Oct;13:424-434; Verdonschot JAJ et al. Circ Genom Precis Med, 2020 Oct;13:476-487). This amino acid position is well conserved in available vertebrate species. In addition, this alteration is predicted to be tolerated by in silico analysis. Based on the available evidence, the clinical significance of this variant remains unclear.

GeneDx
Classification: Uncertain significance. Last evaluated: 2025-03-17. Review status: criteria provided, single submitter. Criteria: GeneDx Variant Classification Process June 2021. Collection method: clinical testing. Allele origin: germline. Affected: yes.
Comment: Not observed at significant frequency in large population cohorts (gnomAD); In silico analysis indicates that this missense variant does not alter protein structure/function; Reported in patients with HCM and DCM in published literature; however, it is unclear whether all patients met clinical criteria and if other cardiogenetic variants were also identified (PMID: 32880476, 32815737); This variant is associated with the following publications: (PMID: 32815737, 32880476)

Blueprint Genetics
Classification: Uncertain significance. Last evaluated: 2024-09-02. Review status: criteria provided, single submitter. Criteria: ACMG Guidelines, 2015. Collection method: clinical testing. Allele origin: germline.

All of Us Research Program, National Institutes of Health
Classification: Uncertain significance for Hypertrophic cardiomyopathy. Last evaluated: 2023-11-02. Review status: criteria provided, single submitter. Criteria: ACMG Guidelines, 2015. Collection method: clinical testing. Allele origin: germline. Inheritance: Autosomal dominant inheritance. Observed: 5 variant alleles, 5 heterozygotes.
Comment: This missense variant replaces alanine with threonine at codon 1225 of the MYBPC3 protein. Computational prediction suggests that this variant may not impact protein structure and function (internally defined REVEL score threshold <= 0.5, PMID: 27666373). Splice site prediction tools suggest that this variant may not impact RNA splicing. To our knowledge, functional studies have not been performed for this variant. This variant has not been reported in individuals affected with cardiovascular disorders in the literature. This variant has been identified in 1/249216 chromosomes in the general population by the Genome Aggregation Database (gnomAD). The available evidence is insufficient to determine the role of this variant in disease conclusively. Therefore, this variant is classified as a Variant of Uncertain Significance.

This study involves interpretation of variants in research participants for the purpose of population health screening. Participant phenotype was not available at the time of variant classification. Additional details can be found in publication PMID: 35346344, PMCID: PMC8962531

Literature cited by the submitters: PubMed 32815737 (cited by 3 submitters); PubMed 32880476 (cited by 3 submitters); PubMed 38895864 (cited by Labcorp Genetics (formerly Invitae), Labcorp).